The following is an entry in ClinVar:

ClinVar aggregate classification (germline): Conflicting classifications of pathogenicity. Review status: criteria provided, conflicting classifications (1 of 4 stars). 2 submissions from 2 submitters: Uncertain significance (1); Benign (1). Last evaluated 2025-03-25.

Allele frequency attached by ClinVar (database versions not stated): gnomAD 0.00011 and 0.00014; ExAC 0.00005; gnomAD exomes 0.00004; TOPMed 0.00016.
gnomAD v4.1: 38 of 1,613,982 alleles (0.0024%); highest among the groups gnomAD compares: African/African-American, 0.04%; no homozygotes.

Submissions (2):

Labcorp Genetics (formerly Invitae), Labcorp
Classification: Uncertain significance. Last evaluated: 2025-03-25. Review status: criteria provided, single submitter. Criteria: Invitae Variant Classification Sherloc (09022015). Collection method: clinical testing. Allele origin: germline.
Comment: This sequence change affects codon 119 of the ADGRE2 mRNA. It is a 'silent' change, meaning that it does not change the encoded amino acid sequence of the ADGRE2 protein. This variant also falls at the last nucleotide of exon 5, which is part of the consensus splice site for this exon. This variant is present in population databases (rs751263352, gnomAD 0.05%). This variant has not been reported in the literature in individuals affected with ADGRE2-related conditions. ClinVar contains an entry for this variant (Variation ID: 1686315). An algorithm developed to predict the effect of missense changes on protein structure and function (PolyPhen-2) suggests that this variant is likely to be disruptive. Variants that disrupt the consensus splice site are a relatively common cause of aberrant splicing (PMID: 17576681, 9536098). In summary, the available evidence is currently insufficient to determine the role of this variant in disease. Therefore, it has been classified as a Variant of Uncertain Significance.

Mendelics
Classification: Benign. Last evaluated: 2022-05-04. Review status: criteria provided, single submitter. Criteria: Mendelics Assertion Criteria 2019. Collection method: clinical testing. Allele origin: germline.

Literature cited by the submitters: PubMed 17576681 (cited by Labcorp Genetics (formerly Invitae), Labcorp); PubMed 9536098 (cited by Labcorp Genetics (formerly Invitae), Labcorp).

NM_013447.4(ADGRE2):c.355G>C (p.Asp119His)

Gene: ADGRE2 (adhesion G protein-coupled receptor E2; minus strand). Cytogenetic location: 19p13.12.
Variant type: single nucleotide variant.
Coding change: c.355G>C on transcript NM_013447.4 (MANE Select); coding-DNA position 355, G replaced by C.
Protein change: p.Asp119His; replaces aspartic acid 119 with histidine.
Molecular consequence: missense variant.
Genome position (GRCh38, 1-based): chr19:14,772,342, C>G on the plus strand (G>C on the coding strand, the complement: ADGRE2 is on the minus strand). VCF-style: chr19-14772342-C-G. GRCh37 (hg19) VCF-style: chr19-14883154-C-G.
Other names: c.355G>C, p.Asp119His (NM_001271052.1); short protein forms D119H.
Identifiers: ClinVar variation 1686315 (VCV001686315.4), dbSNP rs751263352, ClinGen allele CA9258214.
Genomic context (GRCh38, chr19:14,772,342, plus strand): 5'-AGCTCTGGTGACCCCAAACCTCATGGACAGTGGTGATGGAGGATGTGGGGTGGTTCTTAC[C>G]TTGACACGTGTTCTCGCTCTCATTCTTGAATGTTTTTGCCCCAGAAACAGGCTCATATCC-3'
Protein context (NP_038475.2, residues 109-129): FKNESENTCQ[Asp119His]VDECQQNPRL